The following is an entry in ClinVar:

ClinVar aggregate classification (germline): Pathogenic. Review status: criteria provided, multiple submitters, no conflicts (2 of 4 stars). 4 submissions from 4 submitters: Pathogenic (4). Last evaluated 2023-11-10.

Conditions:
Kabuki syndrome 1 (KABUK1). Also called: KMT2D-Related Kabuki Syndrome. Identifiers: Orphanet 2322, MedGen CN030661, MONDO:0007843, OMIM 147920.

Submissions (4):

Daryl Scott Lab, Baylor College of Medicine
Classification: Pathogenic for Kabuki syndrome 1. Last evaluated: 2023-11-10. Review status: criteria provided, single submitter. Criteria: ACMG Guidelines, 2015. Collection method: clinical testing. Allele origin: de novo. Affected: yes.

Institute of Human Genetics Munich, TUM University Hospital
Classification: Pathogenic for Kabuki syndrome 1. Last evaluated: 2021-02-23. Review status: criteria provided, single submitter. Criteria: Classification criteria August 2017. Collection method: clinical testing. Allele origin: germline. Inheritance: Autosomal dominant inheritance. Affected: yes. Observed: 1 variant allele.

Baylor Genetics
Classification: Pathogenic for Kabuki syndrome 1. Last evaluated: 2019-12-27. Review status: criteria provided, single submitter. Criteria: ACMG Guidelines, 2015. Collection method: clinical testing. Allele origin: unknown. Affected: yes.
Comment: This variant was determined to be pathogenic according to ACMG Guidelines, 2015 [PMID:25741868].

Eurofins Ntd Llc (ga)
Classification: Pathogenic. Last evaluated: 2016-03-02. Review status: criteria provided, single submitter. Criteria: EGL Classification Definitions 2015. Collection method: clinical testing. Allele origin: germline. Observed: 1 variant allele, 1 heterozygote.

NM_003482.4(KMT2D):c.5104C>T (p.Arg1702Ter)

Gene: KMT2D (lysine methyltransferase 2D; minus strand). Cytogenetic location: 12q13.12.
Variant type: single nucleotide variant.
Coding change: c.5104C>T on transcript NM_003482.4 (MANE Select); coding-DNA position 5104, C replaced by T.
Protein change: p.Arg1702Ter; replaces arginine 1702 with a stop codon.
Molecular consequence: nonsense.
Genome position (GRCh38, 1-based): chr12:49,044,284, G>A on the plus strand (C>T on the coding strand, the complement: KMT2D is on the minus strand). VCF-style: chr12-49044284-G-A. GRCh37 (hg19) VCF-style: chr12-49438067-G-A.
Other names: short protein forms R1702*.
Identifiers: ClinVar variation 286527 (VCV000286527.8), dbSNP rs886043414, ClinGen allele CA10605492.